The following is an entry in ClinVar:

NM_000059.4(BRCA2):c.905C>T (p.Thr302Ile)

Gene: BRCA2 (BRCA2 DNA repair associated; plus strand). Cytogenetic location: 13q13.1.
Variant type: single nucleotide variant.
Coding change: c.905C>T on transcript NM_000059.4 (MANE Select); coding-DNA position 905, C replaced by T.
Protein change: p.Thr302Ile; replaces threonine 302 with isoleucine.
Molecular consequence: missense variant.
Genome position (GRCh38, 1-based): chr13:32,332,383, C>T. VCF-style: chr13-32332383-C-T. GRCh37 (hg19) VCF-style: chr13-32906520-C-T.
Other names: short protein forms T302I.
Identifiers: ClinVar variation 479368 (VCV000479368.17), dbSNP rs80359158, ClinGen allele CA387760688.
Genomic context (GRCh38, chr13:32,332,383, plus strand): 5'-ACATTGGAAAGTCAATGCCAAATGTCCTAGAAGATGAAGTATATGAAACAGTTGTAGATA[C>T]CTCTGAAGAAGATAGTTTTTCATTATGTTTTTCTAAATGTAGAACAAAAAATCTACAAAA-3'
Protein context (NP_000050.3, residues 292-312): EDEVYETVVD[Thr302Ile]SEEDSFSLCF

ClinVar aggregate classification (germline): Conflicting classifications of pathogenicity. Review status: criteria provided, conflicting classifications (1 of 4 stars). 4 submissions from 4 submitters: Uncertain significance (2); Likely benign (2). Last evaluated 2025-06-19.

Conditions:
Hereditary cancer-predisposing syndrome. Also called: Neoplastic Syndromes, Hereditary; Hereditary Cancer Syndrome; Hereditary neoplastic syndrome; Tumor predisposition. Identifiers: Orphanet 140162, MedGen C0027672, MeSH D009386, MONDO:0015356.
Hereditary breast ovarian cancer syndrome. Also called: Hereditary breast and ovarian cancer syndrome (HBOC); Hereditary breast and ovarian cancer syndrome; Breast and ovarian cancer; BRCA1- and BRCA2-Associated Hereditary Breast and Ovarian Cancer; Hereditary breast and ovarian cancer; Hereditary breast and/or ovarian cancer syndrome. Identifiers: Orphanet 145, MedGen C0677776, MeSH D061325, MONDO:0003582. Disease mechanism: loss of function.

gnomAD v4.1: 7 of 1,592,436 alleles (0.00044%); highest among the groups gnomAD compares: South Asian, 0.0046%; no homozygotes.

Submissions (4):

Labcorp Genetics (formerly Invitae), Labcorp
Classification: Uncertain significance for Hereditary breast ovarian cancer syndrome. Last evaluated: 2025-06-19. Review status: criteria provided, single submitter. Criteria: Invitae Variant Classification Sherloc (09022015). Collection method: clinical testing. Allele origin: germline.
Comment: This sequence change replaces threonine, which is neutral and polar, with isoleucine, which is neutral and non-polar, at codon 302 of the BRCA2 protein (p.Thr302Ile). This variant is present in population databases (no rsID available, gnomAD 0.004%). This variant has not been reported in the literature in individuals affected with BRCA2-related conditions. ClinVar contains an entry for this variant (Variation ID: 479368). Invitae Evidence Modeling of protein sequence and biophysical properties (such as structural, functional, and spatial information, amino acid conservation, physicochemical variation, residue mobility, and thermodynamic stability) indicates that this missense variant is not expected to disrupt BRCA2 protein function with a negative predictive value of 95%. In summary, the available evidence is currently insufficient to determine the role of this variant in disease. Therefore, it has been classified as a Variant of Uncertain Significance.

University of Washington Department of Laboratory Medicine, University of Washington
Classification: Likely benign for Hereditary cancer-predisposing syndrome. Last evaluated: 2023-03-23. Review status: criteria provided, single submitter. Criteria: Dines et al. (Genet Med. 2020). Collection method: curation. Allele origin: germline.
Comment: Missense variant in a coldspot region where missense variants are very unlikely to be pathogenic (PMID:31911673).

BRCA2 exon 10 coldspot. Reclassification based on statistical prior probability.

Color Diagnostics, LLC DBA Color Health
Classification: Uncertain significance for Hereditary cancer-predisposing syndrome. Last evaluated: 2021-09-02. Review status: criteria provided, single submitter. Criteria: ACMG Guidelines, 2015. Collection method: clinical testing. Allele origin: germline.
Comment: This missense variant replaces threonine with isoleucine at codon 302 of the BRCA2 protein. Computational prediction suggests that this variant may not impact protein structure and function (internally defined REVEL score threshold <= 0.5, PMID: 27666373). To our knowledge, functional studies have not been reported for this variant. This variant has not been reported in individuals affected with hereditary cancer in the literature. This variant has been identified in 1/239016 chromosomes in the general population by the Genome Aggregation Database (gnomAD). The available evidence is insufficient to determine the role of this variant in disease conclusively. Therefore, this variant is classified as a Variant of Uncertain Significance.

Ambry Genetics
Classification: Likely benign for Hereditary cancer-predisposing syndrome. Last evaluated: 2016-11-25. Review status: criteria provided, single submitter. Criteria: Ambry Variant Classification Scheme 2023. Collection method: clinical testing. Allele origin: germline.